The following is an entry in ClinVar:

NM_058246.4(DNAJB6):c.875G>A (p.Trp292Ter)

Gene: DNAJB6 (DnaJ heat shock protein family (Hsp40) member B6; plus strand). Cytogenetic location: 7q36.3.
Variant type: single nucleotide variant.
Coding change: c.875G>A on transcript NM_058246.4 (MANE Select); coding-DNA position 875, G replaced by A.
Protein change: p.Trp292Ter; replaces tryptophan 292 with a stop codon.
Molecular consequence: nonsense.
Genome position (GRCh38, 1-based): chr7:157,409,978, G>A. VCF-style: chr7-157409978-G-A. GRCh37 (hg19) VCF-style: chr7-157202672-G-A.
Other names: c.530G>A, p.Trp177Ter (NM_001363676.1); short protein forms W292*, W177*.
Identifiers: ClinVar variation 565789 (VCV000565789.9), dbSNP rs1370731126, ClinGen allele CA370167506.
Genomic context (GRCh38, chr7:157,409,978, plus strand): 5'-CGCCTCACTGTCTCTCTGAGGAGGAGGGCGAGCAGGACCGACCTCGGGCACCCGGGCCCT[G>A]GGACCCCCTCGCGTCCGCAGCAGGTGTGCAAAGGGAGGCAGCCGTGGAGCAGGCGCAGAG-3'

ClinVar aggregate classification (germline): Uncertain significance (1 of 4 stars; one submission).

Conditions:
Autosomal dominant limb-girdle muscular dystrophy type 1D (DNAJB6) (LGMDD1). Also called: MUSCULAR DYSTROPHY, LIMB-GIRDLE, TYPE 1D; Autosomal dominant limb-girdle muscular dystrophy type 1D; Muscular dystrophy, limb-girdle, autosomal dominant 1; MUSCULAR DYSTROPHY, AUTOSOMAL DOMINANT, WITH RIMMED VACUOLES. Identifiers: Orphanet 34516, MedGen C4721885, MONDO:0021018, OMIM 603511.

Allele frequency attached by ClinVar (database versions not stated): gnomAD 0.00001; gnomAD exomes 0.00001; TOPMed 0.00001.
gnomAD v4.1: 11 of 1,534,286 alleles (0.00072%); highest among the groups gnomAD compares: Non-Finnish European, 0.00096%; no homozygotes.

Submission:

Labcorp Genetics (formerly Invitae), Labcorp
Classification: Uncertain significance for Autosomal dominant limb-girdle muscular dystrophy type 1D (DNAJB6). Last evaluated: 2019-07-24. Review status: criteria provided, single submitter. Criteria: Invitae Variant Classification Sherloc (09022015). Collection method: clinical testing. Allele origin: germline.
Comment: This variant has not been reported in the literature in individuals with DNAJB6-related disease. This sequence change results in a premature translational stop signal in the DNAJB6 gene (p.Trp292*). While this is not anticipated to result in nonsense mediated decay, it is expected to disrupt the last 35 amino acids of the DNAJB6 protein. While this variant is not present in population databases, the frequency information is unreliable, as metrics indicate poor data quality at this position in the ExAC database. Algorithms developed to predict the effect of sequence changes on RNA splicing suggest that this variant may create or strengthen a splice site, but this prediction has not been confirmed by published transcriptional studies. In summary, the available evidence is currently insufficient to determine the role of this variant in disease. Therefore, it has been classified as a Variant of Uncertain Significance.